The following is an entry in ClinVar:

ClinVar aggregate classification (germline): Likely pathogenic (1 of 4 stars; one submission).

Conditions:
Inborn genetic diseases. Identifiers: MedGen C0950123, MeSH D030342.

Submission:

Ambry Genetics
Classification: Likely pathogenic for Inborn genetic diseases. Last evaluated: 2022-02-28. Review status: criteria provided, single submitter. Criteria: Ambry Variant Classification Scheme 2023. Collection method: clinical testing. Allele origin: germline.
Comment: The c.861+1_861+6delGTAAAG variant results from a deletion of 6 nucleotides between positions 861+1 and 861+6 and involves the canonical splice donor site after exon 3 (coding exon 2) of the ESCO2 gene. Alterations that disrupt the canonical splice site are expected to cause aberrant splicing, resulting in an abnormal protein or a transcript that is subject to nonsense-mediated mRNA decay. This variant was not reported in population-based cohorts in the Genome Aggregation Database (gnomAD). In silico splice site analysis predicts that this alteration will weaken the native splice donor site. Based on the available evidence, this alteration is classified as likely pathogenic.

NM_001017420.3(ESCO2):c.861+1_861+6del

Gene: ESCO2 (establishment of sister chromatid cohesion N-acetyltransferase 2; plus strand). Cytogenetic location: 8p21.1.
Variant type: Deletion.
Coding change: c.861+1_861+6del on transcript NM_001017420.3 (MANE Select); the canonical splice donor site of the intron after coding-DNA position 861 through 6 bases into the intron after coding-DNA position 861, 6 bases deleted (GTAAAG; older notation c.861+1_861+6delGTAAAG).
Molecular consequence: splice donor variant.
Genome position (GRCh38, 1-based): chr8:27,777,170-27,777,175, GTAAAG deleted; deleting any 6 consecutive bases within chr8:27,777,165-27,777,175 gives the same sequence; the c. name uses the placement nearest the transcript's 3' end. VCF-style (leftmost placement, unchanged base first): chr8-27777164-ATAAAGG-A. GRCh37 (hg19) VCF-style: chr8-27634681-ATAAAGG-A.
Identifiers: ClinVar variation 2272854 (VCV002272854.2), dbSNP rs2486629474, ClinGen allele CA2580078183.